The following is an entry in ClinVar:

ClinVar aggregate classification (germline): Conflicting classifications of pathogenicity. Review status: criteria provided, conflicting classifications (1 of 4 stars). 2 submissions from 2 submitters: Pathogenic (1); Uncertain significance (1). Last evaluated 2025-02-17.

Conditions:
Charcot-Marie-Tooth disease type 2E (CMT2E). Also called: CHARCOT-MARIE-TOOTH DISEASE, AXONAL, TYPE 2E; CHARCOT-MARIE-TOOTH NEUROPATHY, TYPE 2E. Identifiers: Orphanet 99939, MedGen C1843225, MONDO:0011894, OMIM 607684.

Allele frequency attached by ClinVar (database versions not stated): gnomAD exomes below 0.00001.
gnomAD v4.1: 1 of 1,608,994 alleles (0.000062%); no homozygotes.

Submissions (2):

Labcorp Genetics (formerly Invitae), Labcorp
Classification: Pathogenic for Charcot-Marie-Tooth disease type 2E. Last evaluated: 2025-02-17. Review status: criteria provided, single submitter. Criteria: Invitae Variant Classification Sherloc (09022015). Collection method: clinical testing. Allele origin: germline.
Comment: This sequence change replaces leucine, which is neutral and non-polar, with histidine, which is basic and polar, at codon 392 of the NEFL protein (p.Leu392His). This variant is not present in population databases (gnomAD no frequency). This missense change has been observed in individuals with autosomal dominant Charcot-Marie-Tooth disease (internal data). It has also been observed to segregate with disease in related individuals. ClinVar contains an entry for this variant (Variation ID: 533509). Invitae Evidence Modeling of protein sequence and biophysical properties (such as structural, functional, and spatial information, amino acid conservation, physicochemical variation, residue mobility, and thermodynamic stability) indicates that this missense variant is expected to disrupt NEFL protein function with a positive predictive value of 80%. For these reasons, this variant has been classified as Pathogenic.

CeGaT Center for Human Genetics Tuebingen
Classification: Uncertain significance. Last evaluated: 2019-07-01. Review status: criteria provided, single submitter. Criteria: CeGaT Center For Human Genetics Tuebingen Variant Classification Criteria Version 2. Collection method: clinical testing. Allele origin: germline. Affected: yes. Observed: 1 variant allele.

NM_006158.5(NEFL):c.1175T>A (p.Leu392His)

Gene: NEFL (neurofilament light chain; minus strand). Cytogenetic location: 8p21.2.
Variant type: single nucleotide variant.
Coding change: c.1175T>A on transcript NM_006158.5 (MANE Select); coding-DNA position 1175, T replaced by A.
Protein change: p.Leu392His; replaces leucine 392 with histidine.
Molecular consequence: missense variant.
Genome position (GRCh38, 1-based): chr8:24,953,790, A>T on the plus strand (T>A on the coding strand, the complement: NEFL is on the minus strand). VCF-style: chr8-24953790-A-T. GRCh37 (hg19) VCF-style: chr8-24811304-A-T.
Other names: short protein forms L392H.
Identifiers: ClinVar variation 533509 (VCV000533509.47), dbSNP rs1554497393, ClinGen allele CA370620729.
Genomic context (GRCh38, chr8:24,953,790, plus strand): 5'-TAGCCACTGGTTATGCTTCCCACGCTGGTGAAACTGAGTCGGGTCTCCTCGCCTTCCAAG[A>T]GTTTCCTGGGGATGCAGATGCAAGGTGAGGTTAAAAAACACCTGTGTTTCACAACTTGCT-3'
Protein context (NP_006149.2, residues 382-402): LDIEIAAYRK[Leu392His]LEGEETRLSF